The following is an entry in ClinVar:

NM_001377299.1(NDUFS2):c.95+8C>T

Genes: NDUFS2 (NADH:ubiquinone oxidoreductase core subunit S2; plus strand), LOC129931761 (ATAC-STARR-seq lymphoblastoid active region 1985; plus strand). Cytogenetic location: 1q23.3.
Variant type: single nucleotide variant.
Coding change: c.95+8C>T on transcript NM_001377299.1 (MANE Select); 8 bases into the intron after coding-DNA position 95, C replaced by T.
Molecular consequence: intron variant.
Genome position (GRCh38, 1-based): chr1:161,202,488, C>T. VCF-style: chr1-161202488-C-T. GRCh37 (hg19) VCF-style: chr1-161172278-C-T.
Other names: c.95+8C>T (NM_001377300.1, NM_001377298.1, NM_001377301.1 and 3 more transcripts).
Identifiers: ClinVar variation 391385 (VCV000391385.1), dbSNP rs1057524063, ClinGen allele CA16603485.
Genomic context (GRCh38, chr1:161,202,488, plus strand): 5'-GCCCAGGTGCTGCGGCCTGGGGCTGGAGTCCGATTGCCGATTCAGCCCAGCAGGTGAGAT[C>T]GAGGGCAGCTCTCGACACACTTTCTCCAAGGCTAGGGTTTCTCAGGTTGGGGACGCTTTA-3'

ClinVar aggregate classification (germline): Likely benign (1 of 4 stars; one submission).

Allele frequency attached by ClinVar (database versions not stated): gnomAD exomes below 0.00001; TOPMed 0.00001.
gnomAD v4.1: 3 of 1,607,536 alleles (0.00019%); highest among the groups gnomAD compares: Non-Finnish European, 0.00025%; no homozygotes.

Submission:

GeneDx
Classification: Likely benign. Last evaluated: 2016-12-13. Review status: criteria provided, single submitter. Criteria: GeneDx Variant Classification (06012015). Collection method: clinical testing. Allele origin: germline. Affected: yes.
Comment: This variant is considered likely benign or benign based on one or more of the following criteria: it is a conservative change, it occurs at a poorly conserved position in the protein, it is predicted to be benign by multiple in silico algorithms, and/or has population frequency not consistent with disease.